The following is an entry in ClinVar:

NM_000245.4(MET):c.3889T>C (p.Leu1297=)

Gene: MET (MET proto-oncogene, receptor tyrosine kinase; plus strand). Cytogenetic location: 7q31.2.
Variant type: single nucleotide variant.
Coding change: c.3889T>C on transcript NM_000245.4 (MANE Select); coding-DNA position 3889, T replaced by C.
Protein change: p.Leu1297=; no amino-acid change (leucine 1297 retained).
Molecular consequence: synonymous variant.
Genome position (GRCh38, 1-based): chr7:116,795,745, T>C. VCF-style: chr7-116795745-T-C. GRCh37 (hg19) VCF-style: chr7-116435799-T-C.
Other names: c.3943T>C, p.Leu1315= (NM_001127500.3); c.2599T>C, p.Leu867= (NM_001324402.2).
Identifiers: ClinVar variation 824407 (VCV000824407.14), dbSNP rs1584977995, ClinGen allele CA457462329.
Genomic context (GRCh38, chr7:116,795,745, plus strand): 5'-ATGACAAGAGGAGCCCCACCTTATCCTGACGTAAACACCTTTGATATAACTGTTTACTTG[T>C]TGCAAGGGAGAAGACTCCTACAACCCGAATACTGCCCAGACCCCTTGTAAGTAGTCTTTC-3'
Protein context (NP_000236.2, residues 1287-1307): VNTFDITVYL[Leu1297=]QGRRLLQPEY

ClinVar aggregate classification (germline): Benign/Likely benign. Review status: criteria provided, multiple submitters, no conflicts (2 of 4 stars). 3 submissions from 3 submitters: Benign (1); Likely benign (2). Last evaluated 2025-12-14.

Conditions:
Renal cell carcinoma. Identifiers: Orphanet 217071, MedGen C0007134, MeSH D002292, MONDO:0005086, HP:0005584.
Papillary renal cell carcinoma type 1 (RCCP1). Also called: Renal adenocarcinoma; Renal cell carcinoma 1; Renal cell carcinoma, somatic; RENAL CELL CARCINOMA, PAPILLARY, 1, SOMATIC. Identifiers: Orphanet 47044, MedGen C1336839, OMIM 605074, HP:0011797.
Hereditary cancer-predisposing syndrome. Also called: Neoplastic Syndromes, Hereditary; Tumor predisposition; Hereditary neoplastic syndrome; Hereditary Cancer Syndrome. Identifiers: Orphanet 140162, MedGen C0027672, MeSH D009386, MONDO:0015356.

Allele frequency attached by ClinVar (database versions not stated): gnomAD exomes below 0.00001; TOPMed below 0.00001.
gnomAD v4.1: 3 of 1,614,166 alleles (0.00019%); highest among the groups gnomAD compares: Non-Finnish European, 0.000085%; no homozygotes.

Submissions (3):

Labcorp Genetics (formerly Invitae), Labcorp
Classification: Likely benign for Renal cell carcinoma. Last evaluated: 2025-12-14. Review status: criteria provided, single submitter. Criteria: Invitae Variant Classification Sherloc (09022015). Collection method: clinical testing. Allele origin: germline.

Myriad Genetics, Inc.
Classification: Benign for Papillary renal cell carcinoma type 1. Last evaluated: 2024-11-14. Review status: criteria provided, single submitter. Criteria: Myriad Autosomal Dominant, Autosomal Recessive and X-Linked Classification Criteria (2023). Collection method: clinical testing. Allele origin: unknown.
Comment: This variant is considered benign. This variant is a silent/synonymous amino acid change and it is not expected to impact splicing.

Ambry Genetics
Classification: Likely benign for Hereditary cancer-predisposing syndrome. Last evaluated: 2019-10-19. Review status: criteria provided, single submitter. Criteria: Ambry Variant Classification Scheme 2023. Collection method: clinical testing. Allele origin: germline.